The following is an entry in ClinVar:

ClinVar aggregate classification (germline): Uncertain significance (1 of 4 stars; one submission).

Conditions:
Familial thoracic aortic aneurysm and aortic dissection (TAAD). Also called: Thoracic aortic aneurysms and dissections. Identifiers: Orphanet 91387, MedGen C4707243, MONDO:0019625.

Submission:

Color Diagnostics, LLC DBA Color Health
Classification: Uncertain significance for Familial thoracic aortic aneurysm and aortic dissection. Last evaluated: 2024-03-07. Review status: criteria provided, single submitter. Criteria: ACMG Guidelines, 2015. Collection method: clinical testing. Allele origin: germline.
Comment: This missense variant replaces aspartic acid with asparagine at codon 1115 of the FBN1 protein. Computational prediction suggests that this variant may not impact protein structure and function (internally defined REVEL score threshold <= 0.5, PMID: 27666373). To our knowledge, functional studies have not been reported for this variant. This variant has not been reported in individuals affected with cardiovascular disorders in the literature. This variant has not been identified in the general population by the Genome Aggregation Database (gnomAD). The available evidence is insufficient to determine the role of this variant in disease conclusively. Therefore, this variant is classified as a Variant of Uncertain Significance.

NM_000138.5(FBN1):c.3343G>A (p.Asp1115Asn)

Gene: FBN1 (fibrillin 1; minus strand). Cytogenetic location: 15q21.1.
Variant type: single nucleotide variant.
Coding change: c.3343G>A on transcript NM_000138.5 (MANE Select); coding-DNA position 3343, G replaced by A.
Protein change: p.Asp1115Asn; replaces aspartic acid 1115 with asparagine.
Molecular consequence: missense variant.
Genome position (GRCh38, 1-based): chr15:48,487,432, C>T on the plus strand (G>A on the coding strand, the complement: FBN1 is on the minus strand). VCF-style: chr15-48487432-C-T. GRCh37 (hg19) VCF-style: chr15-48779629-C-T.
Other names: short protein forms D1115N.
Identifiers: ClinVar variation 1172046 (VCV001172046.3), dbSNP rs2141293800, ClinGen allele CA392326808.
Genomic context (GRCh38, chr15:48,487,432, plus strand): 5'-TTCCCTCTGTGTTATGGCAAACACCACCTCGGCATAGGAGAGGATCTCTCTGACACTCAT[C>T]AATATCTGCAAAATGGAAATGACCATGTTAAAGGTGGGGGCCTCATCTCCTCCACCAGAC-3'
Protein context (NP_000129.3, residues 1105-1125): FMMMKNCMDI[Asp1115Asn]ECQRDPLLCR